The following is an entry in ClinVar:

ClinVar aggregate classification (germline): Conflicting classifications of pathogenicity. Review status: criteria provided, conflicting classifications (1 of 4 stars). 2 submissions from 2 submitters: Likely pathogenic (1); Uncertain significance (1). Last evaluated 2025-06-02.

Conditions:
Xeroderma pigmentosum variant type. Also called: PHOTOSENSITIVITY WITH DEFECTIVE DNA SYNTHESIS; XERODERMA PIGMENTOSUM WITH NORMAL DNA REPAIR RATES; POLH-Related Xeroderma Pigmentosum. Identifiers: Orphanet 90342, MedGen C1848410, MONDO:0010214, OMIM 278750.

Allele frequency attached by ClinVar (database versions not stated): gnomAD 0.00002 and 0.00004; TOPMed 0.00006; ExAC 0.00001; ESP Exome Variant Server 0.00008.
gnomAD v4.1: 46 of 1,613,740 alleles (0.0029%); highest among the groups gnomAD compares: Non-Finnish European, 0.0036%; no homozygotes.

Submissions (2):

First Genomix Gene Laboratory, Genetic Diagnostics Department
Classification: Likely pathogenic for Xeroderma pigmentosum variant type. Last evaluated: 2025-06-02. Review status: criteria provided, single submitter. Criteria: ACMG Guidelines, 2015. Collection method: clinical testing. Allele origin: germline. Inheritance: Autosomal recessive inheritance. Affected: no. Observed: 1 variant allele.

Illumina Laboratory Services, Illumina
Classification: Uncertain significance for Xeroderma pigmentosum variant type. Last evaluated: 2018-01-13. Review status: criteria provided, single submitter. Criteria: ICSL Variant Classification Criteria 13 December 2019. Collection method: clinical testing. Allele origin: germline.

NM_006502.3(POLH):c.232G>A (p.Ala78Thr)

Gene: POLH (DNA polymerase eta; plus strand). Cytogenetic location: 6p21.1.
Variant type: single nucleotide variant.
Coding change: c.232G>A on transcript NM_006502.3 (MANE Select); coding-DNA position 232, G replaced by A.
Protein change: p.Ala78Thr; replaces alanine 78 with threonine.
Molecular consequence: missense variant. On other transcripts: nonsense (1).
Genome position (GRCh38, 1-based): chr6:43,583,101, G>A. VCF-style: chr6-43583101-G-A. GRCh37 (hg19) VCF-style: chr6-43550838-G-A.
Other names: c.78G>A, p.Trp26Ter (NM_001291969.2); c.232G>A, p.Ala78Thr (NM_001291970.2); short protein forms A78T, W26*.
Identifiers: ClinVar variation 356898 (VCV000356898.8), dbSNP rs372613817, ClinGen allele CA3826910.
Genomic context (GRCh38, chr6:43,583,101, plus strand): 5'-GGAGTCACTAGAAGTATGTGGGCAGATGATGCTAAGAAGTTATGTCCAGATCTTCTACTG[G>A]CACAAGTTCGTGAGTCCCGTGGGAAAGCTAACCTCACCAAGTAAGAAAAAAACATTATTT-3'
Protein context (NP_006493.1, residues 68-88): AKKLCPDLLL[Ala78Thr]QVRESRGKAN